The following is an entry in ClinVar:

NM_178857.6(RP1L1):c.321G>C (p.Lys107Asn)

Gene: RP1L1 (RP1 like 1). Cytogenetic location: 8p23.1.
Variant type: single nucleotide variant.
Coding change: c.321G>C on transcript NM_178857.6 (MANE Select); coding-DNA position 321, G replaced by C.
Protein change: p.Lys107Asn; replaces lysine 107 with asparagine.
Molecular consequence: missense variant.
Genome position (GRCh38, 1-based): chr8:10,622,881, C>G on the plus strand (G>C on the coding strand, the complement: RP1L1 is on the minus strand). VCF-style: chr8-10622881-C-G. GRCh37 (hg19) VCF-style: chr8-10480391-C-G.
Other names: short protein forms K107N.
Identifiers: ClinVar variation 1930958 (VCV001930958.5), dbSNP rs2486318757, ClinGen allele CA370300518.
Genomic context (GRCh38, chr8:10,622,881, plus strand): 5'-CTGAGCAGTGGGGTTTCTCTCCTGTGGCCGGCCTGGTCCACTGGGGGTCTTGGGGGGCTT[C>G]TTATCAGAGCAGAGGTAGCAGCCTCCATCTTCCAGCTGCTCCAGGGCGCTGAGGCTATGC-3'
Protein context (NP_849188.4, residues 97-117): EDGGCYLCSD[Lys107Asn]KPPKTPSGPG

ClinVar aggregate classification (germline): Uncertain significance (1 of 4 stars; one submission).

gnomAD v4.1: 3 of 1,613,612 alleles (0.00019%); highest among the groups gnomAD compares: Non-Finnish European, 0.00025%; no homozygotes.

Submission:

Labcorp Genetics (formerly Invitae), Labcorp
Classification: Uncertain significance. Last evaluated: 2022-10-21. Review status: criteria provided, single submitter. Criteria: Invitae Variant Classification Sherloc (09022015). Collection method: clinical testing. Allele origin: germline.
Comment: In summary, the available evidence is currently insufficient to determine the role of this variant in disease. Therefore, it has been classified as a Variant of Uncertain Significance. Advanced modeling of protein sequence and biophysical properties (such as structural, functional, and spatial information, amino acid conservation, physicochemical variation, residue mobility, and thermodynamic stability) performed at Invitae indicates that this missense variant is not expected to disrupt RP1L1 protein function. This variant has not been reported in the literature in individuals affected with RP1L1-related conditions. This variant is not present in population databases (gnomAD no frequency). This sequence change replaces lysine, which is basic and polar, with asparagine, which is neutral and polar, at codon 107 of the RP1L1 protein (p.Lys107Asn).